The following is an entry in ClinVar:

NM_012463.4(ATP6V0A2):c.1219T>C (p.Leu407=)

Gene: ATP6V0A2 (ATPase H+ transporting V0 subunit a2; plus strand). Cytogenetic location: 12q24.31.
Variant type: single nucleotide variant.
Coding change: c.1219T>C on transcript NM_012463.4 (MANE Select); coding-DNA position 1219, T replaced by C.
Protein change: p.Leu407=; no amino-acid change (leucine 407 retained).
Molecular consequence: synonymous variant.
Genome position (GRCh38, 1-based): chr12:123,744,230, T>C. VCF-style: chr12-123744230-T-C. GRCh37 (hg19) VCF-style: chr12-124228777-T-C.
Identifiers: ClinVar variation 2498573 (VCV002498573.28), dbSNP rs1956637508, ClinGen allele CA482270936.

ClinVar aggregate classification (germline): Likely benign (1 of 4 stars; one submission).

Allele frequency attached by ClinVar (database versions not stated): TOPMed below 0.00001.

Submission:

CeGaT Center for Human Genetics Tuebingen
Classification: Likely benign. Last evaluated: 2023-01-01. Review status: criteria provided, single submitter. Criteria: CeGaT Center For Human Genetics Tuebingen Variant Classification Criteria Version 2. Collection method: clinical testing. Allele origin: germline. Affected: yes. Observed: 1 variant allele.
Comment: ATP6V0A2: PM2:Supporting, BP4, BP7